The following is an entry in ClinVar:

NM_001048174.2(MUTYH):c.1240-8_1240-5del

Gene: MUTYH (mutY DNA glycosylase; minus strand). Cytogenetic location: 1p34.1.
Variant type: Deletion.
Coding change: c.1240-8_1240-5del on transcript NM_001048174.2 (MANE Select); 8 bases into the intron before coding-DNA position 1240 through 5 bases into the intron before coding-DNA position 1240, 4 bases deleted (TCCT; older notation c.1240-8_1240-5delTCCT).
Molecular consequence: intron variant.
Genome position (GRCh38, 1-based): chr1:45,331,339-45,331,342, AGGA deleted on the plus strand (TCCT on the coding strand, the reverse complement: MUTYH is on the minus strand); deleting any 4 consecutive bases within chr1:45,331,339-45,331,345 gives the same sequence; the c. name uses the placement nearest the transcript's 3' end. VCF-style (leftmost placement, unchanged base first): chr1-45331338-GAGGA-G. GRCh37 (hg19) VCF-style: chr1-45797010-GAGGA-G.
Other names: c.895-8_895-5del (NM_001350651.2, NM_001350650.2); c.964-8_964-5del (NM_001293192.2, NM_001293196.2); c.1240-8_1240-5del (NM_001048171.2, NM_001048173.2, NM_001293195.2); c.1285-8_1285-5del (NM_001293190.2); c.1315-8_1315-5del (NM_012222.3); c.1324-8_1324-5del (NM_001128425.2); c.1243-8_1243-5del (NM_001048172.2); c.1273-8_1273-5del (NM_001293191.2); and 1 more.
Identifiers: ClinVar variation 665447 (VCV000665447.14), dbSNP rs781479684, ClinGen allele CA056134.

ClinVar aggregate classification (germline): Conflicting classifications of pathogenicity. Review status: criteria provided, conflicting classifications (1 of 4 stars). 4 submissions from 4 submitters: Uncertain significance (1); Likely benign (3). Last evaluated 2025-12-28.

Conditions:
Hereditary cancer-predisposing syndrome. Also called: Tumor predisposition; Neoplastic Syndromes, Hereditary; Hereditary Cancer Syndrome; Hereditary neoplastic syndrome. Identifiers: Orphanet 140162, MedGen C0027672, MeSH D009386, MONDO:0015356.
Familial adenomatous polyposis 2. Also called: COLORECTAL ADENOMATOUS POLYPOSIS, AUTOSOMAL RECESSIVE; ADENOMAS, MULTIPLE COLORECTAL, AUTOSOMAL RECESSIVE; MYH-associated polyposis; MUTYH Polyposis; Adenomas, multiple colorectal; MUTYH-associated polyposis. Identifiers: Orphanet 220460, Orphanet 247798, MedGen C3272841, MONDO:0012041, OMIM 608456.

Submissions (4):

Labcorp Genetics (formerly Invitae), Labcorp
Classification: Likely benign for Familial adenomatous polyposis 2. Last evaluated: 2025-12-28. Review status: criteria provided, single submitter. Criteria: Invitae Variant Classification Sherloc (09022015). Collection method: clinical testing. Allele origin: germline.

Color Diagnostics, LLC DBA Color Health
Classification: Likely benign for Hereditary cancer-predisposing syndrome. Last evaluated: 2025-06-02. Review status: criteria provided, single submitter. Criteria: ACMG Guidelines, 2015. Collection method: clinical testing. Allele origin: germline.

All of Us Research Program, National Institutes of Health
Classification: Uncertain significance for Familial adenomatous polyposis 2. Last evaluated: 2023-08-08. Review status: criteria provided, single submitter. Criteria: ACMG Guidelines, 2015. Collection method: clinical testing. Allele origin: germline. Inheritance: Autosomal recessive inheritance. Observed: 1 variant allele, 1 heterozygote.
Comment: This variant causes a 4bp deletion in the splice acceptor region of intron 13 of the MUTYH gene. This variant is also known as c.1282-8_1282-5del and c.1240-8_1240-5del based on an alternative transcripts. To our knowledge, RNA studies have not been reported for this variant. This variant has not been reported in individuals affected with MUTYH-related disorders in the literature. This variant has been identified in 3/282888 chromosomes in the general population by the Genome Aggregation Database (gnomAD). The available evidence is insufficient to determine the role of this variant in disease conclusively. Therefore, this variant is classified as a Variant of Uncertain Significance.

This study involves interpretation of variants in research participants for the purpose of population health screening. Participant phenotype was not available at the time of variant classification. Additional details can be found in publication PMID: 35346344, PMCID: PMC8962531

Ambry Genetics
Classification: Likely benign for Hereditary cancer-predisposing syndrome. Last evaluated: 2023-03-22. Review status: criteria provided, single submitter. Criteria: Ambry Variant Classification Scheme 2023. Collection method: clinical testing. Allele origin: germline.